The following is an entry in ClinVar:

NM_007294.4(BRCA1):c.2702T>C (p.Phe901Ser)

Gene: BRCA1 (BRCA1 DNA repair associated; minus strand). Cytogenetic location: 17q21.31.
Variant type: single nucleotide variant.
Coding change: c.2702T>C on transcript NM_007294.4 (MANE Select); coding-DNA position 2702, T replaced by C.
Protein change: p.Phe901Ser; replaces phenylalanine 901 with serine.
Molecular consequence: missense variant. On other transcripts: intron variant (137).
Genome position (GRCh38, 1-based): chr17:43,092,829, A>G on the plus strand (T>C on the coding strand, the complement: BRCA1 is on the minus strand). VCF-style: chr17-43092829-A-G. GRCh37 (hg19) VCF-style: chr17-41244846-A-G.
Other names: 2821T>C; c.2624T>C, p.Phe875Ser (NM_001407663.1, NM_001407653.1, NM_001407654.1 and 4 more transcripts); c.2579T>C, p.Phe860Ser (NM_001407664.1, NM_001407665.1, NM_001407666.1 and 19 more transcripts); c.2576T>C, p.Phe859Ser (NM_001407670.1, NM_001407671.1, NM_001407672.1 and 11 more transcripts); c.2702T>C, p.Phe901Ser (NM_001407684.1, NM_001407854.1, NM_001407858.1 and 30 more transcripts); c.2561T>C, p.Phe854Ser (NM_001407692.1, NM_001407694.1, NM_001407695.1 and 29 more transcripts); c.2558T>C, p.Phe853Ser (NM_001407740.1, NM_001407741.1, NM_001407742.1 and 20 more transcripts); c.2489T>C, p.Phe830Ser (NM_001407853.1, NM_001407894.1, NM_001407895.1 and 9 more transcripts); and 42 more; short protein forms F901S, F854S, F790S, F834S, F875S, F774S, F813S, F831S.
Identifiers: ClinVar variation 37482 (VCV000037482.26), dbSNP rs397507202, ClinGen allele CA001780.

ClinVar aggregate classification (germline): Conflicting classifications of pathogenicity. Review status: criteria provided, conflicting classifications (1 of 4 stars). 9 submissions from 9 submitters: Uncertain significance (2); Likely benign (2). 5 of the submissions do not count toward it. Last evaluated 2023-10-20.

Conditions:
Hereditary cancer-predisposing syndrome. Also called: Tumor predisposition; Neoplastic Syndromes, Hereditary; Hereditary Cancer Syndrome; Hereditary neoplastic syndrome. Identifiers: Orphanet 140162, MedGen C0027672, MeSH D009386, MONDO:0015356.
Hereditary breast ovarian cancer syndrome. Also called: Hereditary breast and ovarian cancer syndrome (HBOC); Hereditary breast and ovarian cancer syndrome; Hereditary breast and ovarian cancer; Hereditary breast and/or ovarian cancer syndrome; Breast and ovarian cancer; BRCA1- and BRCA2-Associated Hereditary Breast and Ovarian Cancer. Identifiers: Orphanet 145, MedGen C0677776, MeSH D061325, MONDO:0003582. Disease mechanism: loss of function.
Breast-ovarian cancer, familial, susceptibility to, 1 (BROVCA1). Also called: OVARIAN CANCER, SUSCEPTIBILITY TO; BRCA1 Hereditary Breast and Ovarian Cancer. Identifiers: Orphanet 145, MedGen C2676676, MONDO:0011450, OMIM 604370. Disease mechanism: loss of function.

Allele frequency attached by ClinVar (database versions not stated): gnomAD exomes below 0.00001.
gnomAD v4.1: 3 of 1,614,016 alleles (0.00019%); highest among the groups gnomAD compares: South Asian, 0.0022%; no homozygotes.

Submissions (9):

Labcorp Genetics (formerly Invitae), Labcorp
Classification: Uncertain significance for Hereditary breast ovarian cancer syndrome. Last evaluated: 2023-10-20. Review status: criteria provided, single submitter. Criteria: Invitae Variant Classification Sherloc (09022015). Collection method: clinical testing. Allele origin: germline.
Comment: This sequence change replaces phenylalanine, which is neutral and non-polar, with serine, which is neutral and polar, at codon 901 of the BRCA1 protein (p.Phe901Ser). This variant is present in population databases (rs397507202, gnomAD 0.0009%). This variant has not been reported in the literature in individuals affected with BRCA1-related conditions. ClinVar contains an entry for this variant (Variation ID: 37482). Advanced modeling of protein sequence and biophysical properties (such as structural, functional, and spatial information, amino acid conservation, physicochemical variation, residue mobility, and thermodynamic stability) performed at Invitae indicates that this missense variant is not expected to disrupt BRCA1 protein function. In summary, the available evidence is currently insufficient to determine the role of this variant in disease. Therefore, it has been classified as a Variant of Uncertain Significance.

University of Washington Department of Laboratory Medicine, University of Washington
Classification: Likely benign for Hereditary cancer-predisposing syndrome. Last evaluated: 2023-03-23. Review status: criteria provided, single submitter. Criteria: Dines et al. (Genet Med. 2020). Collection method: curation. Allele origin: germline.
Comment: Missense variant in a coldspot region where missense variants are very unlikely to be pathogenic (PMID:31911673).

BRCA1 coldspot (exon 11 using historical exon numbering). Reclassification based on statistical prior probability

Color Diagnostics, LLC DBA Color Health
Classification: Uncertain significance for Hereditary cancer-predisposing syndrome. Last evaluated: 2022-05-06. Review status: criteria provided, single submitter. Criteria: ACMG Guidelines, 2015. Collection method: clinical testing. Allele origin: germline.
Comment: This missense variant replaces phenylalanine with serine at codon 901 of the BRCA1 protein. Computational prediction suggests that this variant may not impact protein structure and function (internally defined REVEL score threshold <= 0.5, PMID: 27666373). To our knowledge, functional studies have not been reported for this variant. In a large breast cancer case-control study, this variant has been observed in 2/60466 cases and 1/53461 controls (PMID: 33471991). This variant has been identified in 1/250872 chromosomes in the general population by the Genome Aggregation Database (gnomAD). The available evidence is insufficient to determine the role of this variant in disease conclusively. Therefore, this variant is classified as a Variant of Uncertain Significance.

Ambry Genetics
Classification: Likely benign for Hereditary cancer-predisposing syndrome. Last evaluated: 2020-09-29. Review status: criteria provided, single submitter. Criteria: Ambry Variant Classification Scheme 2023. Collection method: clinical testing. Allele origin: germline.

Counsyl
Classification: Uncertain significance for Breast-ovarian cancer, familial, susceptibility to, 1. Last evaluated: 2016-07-28. Review status: no assertion criteria provided. Collection method: clinical testing. Allele origin: unknown. Not counted in ClinVar's aggregate classification.

Sharing Clinical Reports Project (SCRP)
Classification: Uncertain significance for Breast-ovarian cancer, familial 1. Last evaluated: 2011-06-21. Review status: no assertion criteria provided. Collection method: clinical testing. Allele origin: germline. Not counted in ClinVar's aggregate classification.

Clinical Genetics Laboratory, Department of Pathology, Netherlands Cancer Institute
Classification: Likely benign. Review status: no assertion criteria provided. Collection method: clinical testing. Allele origin: germline. Affected: yes. Study: VKGL Data-share Consensus. Not counted in ClinVar's aggregate classification.

Diagnostic Laboratory, Department of Genetics, University Medical Center Groningen
Classification: Likely benign. Review status: no assertion criteria provided. Collection method: clinical testing. Allele origin: germline. Affected: yes. Study: VKGL Data-share Consensus. Not counted in ClinVar's aggregate classification.

Joint Genome Diagnostic Labs from Nijmegen and Maastricht, Radboudumc and MUMC+
Classification: Likely benign. Review status: no assertion criteria provided. Collection method: clinical testing. Allele origin: germline. Affected: yes. Study: VKGL Data-share Consensus. Not counted in ClinVar's aggregate classification.

Literature cited by the submitters: PubMed 33471991 (cited by Color Diagnostics, LLC DBA Color Health).